The following is an entry in ClinVar:

ClinVar aggregate classification (germline): Likely pathogenic (1 of 4 stars; one submission).

Conditions:
Hereditary cancer-predisposing syndrome. Also called: Tumor predisposition; Hereditary Cancer Syndrome; Hereditary neoplastic syndrome; Neoplastic Syndromes, Hereditary. Identifiers: Orphanet 140162, MedGen C0027672, MeSH D009386, MONDO:0015356.

Submission:

Ambry Genetics
Classification: Likely pathogenic for Hereditary cancer-predisposing syndrome. Last evaluated: 2026-03-10. Review status: criteria provided, single submitter. Criteria: Ambry Variant Classification Scheme 2023. Collection method: clinical testing. Allele origin: germline.
Comment: The c.1594+1G>T intronic variant results from a G to T substitution one nucleotide after coding exon 12 of the POT1 gene. This nucleotide position is highly conserved in available vertebrate species. In silico splice site analysis predicts that this alteration will weaken the native splice donor site. RNA studies have demonstrated that this variant results in abnormal splicing in the set of samples tested (Ambry internal data). Alterations that disrupt the canonical splice site are expected to cause aberrant splicing, resulting in an abnormal protein or a transcript that is subject to nonsense-mediated mRNA decay. As such, this alteration is classified as likely pathogenic.

NM_015450.3(POT1):c.1594+1G>T

Gene: POT1 (protection of telomeres 1; minus strand). Cytogenetic location: 7q31.33.
Variant type: single nucleotide variant.
Coding change: c.1594+1G>T on transcript NM_015450.3 (MANE Select); the canonical splice donor site of the intron after coding-DNA position 1594, G replaced by T.
Molecular consequence: splice donor variant.
Genome position (GRCh38, 1-based): chr7:124,829,253, C>A on the plus strand (G>T on the coding strand, the complement: POT1 is on the minus strand). VCF-style: chr7-124829253-C-A. GRCh37 (hg19) VCF-style: chr7-124469307-C-A.
Other names: c.1201+1G>T (NM_001042594.2).
Identifiers: ClinVar variation 3226663 (VCV003226663.2), dbSNP rs1794702760, ClinGen allele CA369064249.